The following is an entry in ClinVar:

NM_181882.3(PRX):c.2267C>T (p.Pro756Leu)

Gene: PRX (periaxin; minus strand). Cytogenetic location: 19q13.2.
Variant type: single nucleotide variant.
Coding change: c.2267C>T on transcript NM_181882.3 (MANE Select); coding-DNA position 2267, C replaced by T.
Protein change: p.Pro756Leu; replaces proline 756 with leucine.
Molecular consequence: missense variant. On other transcripts: 3 prime UTR variant (1).
Genome position (GRCh38, 1-based): chr19:40,396,085, G>A on the plus strand (C>T on the coding strand, the complement: PRX is on the minus strand). VCF-style: chr19-40396085-G-A. GRCh37 (hg19) VCF-style: chr19-40901992-G-A.
Other names: c.*2472C>T (NM_020956.2); short protein forms P756L.
Identifiers: ClinVar variation 963915 (VCV000963915.9), dbSNP rs749585237, ClinGen allele CA9444091.
Genomic context (GRCh38, chr19:40,396,085, plus strand): 5'-AGCTTCACCTCTGGTGCCTTCGGAAGATGCACGTCGGGAACCTTCGGCACTTGCATTTCC[G>A]GCAGCCGAATCTCTGACACTTTCGGCAGCTGCACCTCGGGGAGGTGCACATCGGGCACAG-3'
Protein context (NP_870998.2, residues 746-766): QLPKVSEIRL[Pro756Leu]EMQVPKVPDV

ClinVar aggregate classification (germline): Uncertain significance. Review status: criteria provided, multiple submitters, no conflicts (2 of 4 stars). 3 submissions from 3 submitters: Uncertain significance (3). Last evaluated 2025-03-31.

Conditions:
Inborn genetic diseases. Identifiers: MedGen C0950123, MeSH D030342.
Charcot-Marie-Tooth disease type 4. Also called: Charcot-Marie-Tooth, Type 4; Charcot-Marie-Tooth disease, type IV. Identifiers: Orphanet 64749, MedGen C4082197, MONDO:0018995.

Allele frequency attached by ClinVar (database versions not stated): ExAC 0.00004; gnomAD 0.00001; gnomAD exomes 0.00002 and 0.00003; TOPMed below 0.00001.
gnomAD v4.1: 30 of 1,614,016 alleles (0.0019%); highest among the groups gnomAD compares: South Asian, 0.0077%; no homozygotes.

Submissions (3):

GeneDx
Classification: Uncertain significance. Last evaluated: 2025-03-31. Review status: criteria provided, single submitter. Criteria: GeneDx Variant Classification Process June 2021. Collection method: clinical testing. Allele origin: germline. Affected: yes.
Comment: Identified in an individual with breast/ovarian cancer and high-grade neuropathy during paclitaxel treatment; however, additional clinical and segregation information was not provided (PMID: 27582484); Not observed at significant frequency in large population cohorts (gnomAD); In silico analysis supports that this missense variant has a deleterious effect on protein structure/function; This variant is associated with the following publications: (PMID: 27582484)

Ambry Genetics
Classification: Uncertain significance for Inborn genetic diseases. Last evaluated: 2024-04-09. Review status: criteria provided, single submitter. Criteria: Ambry Variant Classification Scheme 2023. Collection method: clinical testing. Allele origin: germline.

Labcorp Genetics (formerly Invitae), Labcorp
Classification: Uncertain significance for Charcot-Marie-Tooth disease type 4. Last evaluated: 2022-10-13. Review status: criteria provided, single submitter. Criteria: Invitae Variant Classification Sherloc (09022015). Collection method: clinical testing. Allele origin: germline.
Comment: In summary, the available evidence is currently insufficient to determine the role of this variant in disease. Therefore, it has been classified as a Variant of Uncertain Significance. Advanced modeling of protein sequence and biophysical properties (such as structural, functional, and spatial information, amino acid conservation, physicochemical variation, residue mobility, and thermodynamic stability) performed at Invitae indicates that this missense variant is not expected to disrupt PRX protein function. ClinVar contains an entry for this variant (Variation ID: 963915). This variant has not been reported in the literature in individuals affected with PRX-related conditions. This variant is present in population databases (rs749585237, gnomAD 0.006%). This sequence change replaces proline, which is neutral and non-polar, with leucine, which is neutral and non-polar, at codon 756 of the PRX protein (p.Pro756Leu).